The following is an entry in ClinVar:

ClinVar aggregate classification (germline): Uncertain significance (1 of 4 stars; one submission).

Conditions:
Charcot-Marie-Tooth disease dominant intermediate B (CMTDIB). Also called: Charcot-Marie-Tooth disease dominant intermediate 1; CMT DI1; Charcot-Marie-Tooth disease dominant intermediate I; CHARCOT-MARIE-TOOTH NEUROPATHY, DOMINANT INTERMEDIATE B. Identifiers: Orphanet 100044, Orphanet 228179, MedGen C1847902, MONDO:0011674, OMIM 606482.

Allele frequency attached by ClinVar (database versions not stated): gnomAD exomes below 0.00001; gnomAD 0.00001; TOPMed 0.00002.
gnomAD v4.1: 4 of 1,608,544 alleles (0.00025%); highest among the groups gnomAD compares: African/African-American, 0.004%; no homozygotes.

Submission:

Labcorp Genetics (formerly Invitae), Labcorp
Classification: Uncertain significance for Charcot-Marie-Tooth disease dominant intermediate B. Last evaluated: 2023-03-17. Review status: criteria provided, single submitter. Criteria: Invitae Variant Classification Sherloc (09022015). Collection method: clinical testing. Allele origin: germline.
Comment: This variant has not been reported in the literature in individuals affected with DNM2-related conditions. This variant is not present in population databases (gnomAD no frequency). This sequence change replaces asparagine, which is neutral and polar, with serine, which is neutral and polar, at codon 529 of the DNM2 protein (p.Asn529Ser). ClinVar contains an entry for this variant (Variation ID: 1034977). Advanced modeling of protein sequence and biophysical properties (such as structural, functional, and spatial information, amino acid conservation, physicochemical variation, residue mobility, and thermodynamic stability) has been performed at Invitae for this missense variant, however the output from this modeling did not meet the statistical confidence thresholds required to predict the impact of this variant on DNM2 protein function. In summary, the available evidence is currently insufficient to determine the role of this variant in disease. Therefore, it has been classified as a Variant of Uncertain Significance.

NM_001005361.3(DNM2):c.1586A>G (p.Asn529Ser)

Gene: DNM2 (dynamin 2; plus strand). Cytogenetic location: 19p13.2.
Variant type: single nucleotide variant.
Coding change: c.1586A>G on transcript NM_001005361.3 (MANE Select); coding-DNA position 1586, A replaced by G.
Protein change: p.Asn529Ser; replaces asparagine 529 with serine.
Molecular consequence: missense variant.
Genome position (GRCh38, 1-based): chr19:10,812,292, A>G. VCF-style: chr19-10812292-A-G. GRCh37 (hg19) VCF-style: chr19-10922968-A-G.
Other names: c.1586A>G, p.Asn529Ser (NM_001005360.3, NM_001190716.2); c.1574A>G, p.Asn525Ser (NM_001005362.3, NM_004945.4); short protein forms N529S, N525S.
Identifiers: ClinVar variation 1034977 (VCV001034977.8), dbSNP rs1406718069, ClinGen allele CA404039452.